The following is an entry in ClinVar:

ClinVar aggregate classification (germline): Likely benign. Review status: criteria provided, multiple submitters, no conflicts (2 of 4 stars). 6 submissions from 6 submitters: Likely benign (5). 1 of the submissions does not count toward it. Last evaluated 2026-04-07.

Conditions:
Medulloblastoma (MDB). Also called: Medulloblastoma, somatic; MEDULLOBLASTOMA PREDISPOSITION SYNDROME. Identifiers: Orphanet 616, MedGen C0025149, MeSH D008527, MONDO:0007959, OMIM 155255, HP:0002885.
Familial dysautonomia. Also called: HSAN III; FD. Identifiers: Orphanet 1764, MedGen C0013364, MONDO:0009131, OMIM 223900. Disease mechanism: loss of function.
ELP1-related disorder. Also called: ELP1-related condition.

Allele frequency attached by ClinVar (database versions not stated): gnomAD exomes 0.00004 and 0.00008; ExAC 0.00010; 1000 Genomes Project 30x 0.00016; 1000 Genomes Project 0.00020; gnomAD 0.00032 and 0.00038; TOPMed 0.00036; ESP Exome Variant Server 0.00077.
gnomAD v4.1: 106 of 1,614,172 alleles (0.0066%); highest among the groups gnomAD compares: African/African-American, 0.13%; no homozygotes.

Submissions (6):

PreventionGenetics, part of Exact Sciences
Classification: Likely benign for ELP1-related condition. Last evaluated: 2026-04-07. Review status: criteria provided, single submitter. Criteria: ACMG Guidelines, 2015. Collection method: clinical testing. Allele origin: germline.
Comment: This variant is classified as likely benign based on ACMG/AMP sequence variant interpretation guidelines (Richards et al. 2015 PMID: 25741868, with internal and published modifications).

Labcorp Genetics (formerly Invitae), Labcorp
Classification: Likely benign. Last evaluated: 2026-01-14. Review status: criteria provided, single submitter. Criteria: Invitae Variant Classification Sherloc (09022015). Collection method: clinical testing. Allele origin: germline.

CeGaT Center for Human Genetics Tuebingen
Classification: Likely benign. Last evaluated: 2025-11-01. Review status: criteria provided, single submitter. Criteria: CeGaT Center For Human Genetics Tuebingen Variant Classification Criteria Version 2. Collection method: clinical testing. Allele origin: germline. Affected: yes. Observed: 1 variant allele.
Comment: ELP1: BP4, BP7

Ambry Genetics
Classification: Likely benign. Last evaluated: 2023-02-23. Review status: criteria provided, single submitter. Criteria: Ambry Variant Classification Scheme 2023. Collection method: clinical testing. Allele origin: germline.

Fulgent Genetics
Classification: Likely benign for Medulloblastoma; Familial dysautonomia. Last evaluated: 2021-10-06. Review status: criteria provided, single submitter. Criteria: ACMG Guidelines, 2015. Collection method: clinical testing. Allele origin: unknown.

Natera, Inc.
Classification: Likely benign for Familial dysautonomia. Last evaluated: 2020-09-16. Review status: no assertion criteria provided. Collection method: clinical testing. Allele origin: germline. Not counted in ClinVar's aggregate classification.

NM_003640.5(ELP1):c.909C>G (p.Val303=)

Gene: ELP1 (elongator acetyltransferase complex subunit 1; minus strand). Cytogenetic location: 9q31.3.
Variant type: single nucleotide variant.
Coding change: c.909C>G on transcript NM_003640.5 (MANE Select); coding-DNA position 909, C replaced by G.
Protein change: p.Val303=; no amino-acid change (valine 303 retained).
Molecular consequence: synonymous variant. On other transcripts: 5 prime UTR variant (1).
Genome position (GRCh38, 1-based): chr9:108,916,253, G>C on the plus strand (C>G on the coding strand, the complement: ELP1 is on the minus strand). VCF-style: chr9-108916253-G-C. GRCh37 (hg19) VCF-style: chr9-111678533-G-C.
Other names: c.567C>G, p.Val189= (NM_001318360.2); c.-139C>G (NM_001330749.2); c.909C>G (NM_003640.4).
Identifiers: ClinVar variation 699504 (VCV000699504.21), dbSNP rs142420285, ClinGen allele CA5175200.